The following is an entry in ClinVar:

ClinVar aggregate classification (germline): Uncertain significance (1 of 4 stars; one submission).

Allele frequency attached by ClinVar (database versions not stated): gnomAD exomes below 0.00001 and 0.00001; TOPMed 0.00001; gnomAD 0.00002.
gnomAD v4.1: 20 of 1,614,140 alleles (0.0012%); highest among the groups gnomAD compares: African/African-American, 0.0027%; no homozygotes.

Submission:

Labcorp Genetics (formerly Invitae), Labcorp
Classification: Uncertain significance. Last evaluated: 2025-05-13. Review status: criteria provided, single submitter. Criteria: Invitae Variant Classification Sherloc (09022015). Collection method: clinical testing. Allele origin: germline.
Comment: This sequence change replaces tyrosine, which is neutral and polar, with cysteine, which is neutral and slightly polar, at codon 213 of the DIP2C protein (p.Tyr213Cys). This variant is present in population databases (rs769923606, gnomAD 0.008%). This variant has not been reported in the literature in individuals affected with DIP2C-related conditions. ClinVar contains an entry for this variant (Variation ID: 1357361). An algorithm developed to predict the effect of missense changes on protein structure and function (PolyPhen-2) suggests that this variant is likely to be disruptive. In summary, the available evidence is currently insufficient to determine the role of this variant in disease. Therefore, it has been classified as a Variant of Uncertain Significance.

NM_014974.3(DIP2C):c.638A>G (p.Tyr213Cys)

Gene: DIP2C (DIP2 acetate--CoA ligase C (putative); minus strand). Cytogenetic location: 10p15.3.
Variant type: single nucleotide variant.
Coding change: c.638A>G on transcript NM_014974.3 (MANE Select); coding-DNA position 638, A replaced by G.
Protein change: p.Tyr213Cys; replaces tyrosine 213 with cysteine.
Molecular consequence: missense variant.
Genome position (GRCh38, 1-based): chr10:419,166, T>C on the plus strand (A>G on the coding strand, the complement: DIP2C is on the minus strand). VCF-style: chr10-419166-T-C. GRCh37 (hg19) VCF-style: chr10-465106-T-C.
Other names: short protein forms Y213C.
Identifiers: ClinVar variation 1357361 (VCV001357361.8), dbSNP rs769923606, ClinGen allele CA201948328.